The following is an entry in ClinVar:

ClinVar aggregate classification (germline): Uncertain significance. Review status: criteria provided, single submitter (1 of 4 stars). 2 submissions from 2 submitters: Uncertain significance (1). 1 of the submissions does not count toward it. Last evaluated 2024-04-16.

Conditions:
Pontocerebellar hypoplasia type 6 (PCH6). Identifiers: Orphanet 166073, MedGen C1969084, MONDO:0012683, OMIM 611523.

gnomAD v4.1: 7 of 1,614,028 alleles (0.00043%); highest among the groups gnomAD compares: Non-Finnish European, 0.00059%; no homozygotes.

Submissions (2):

GeneDx
Classification: Uncertain significance. Last evaluated: 2024-04-16. Review status: criteria provided, single submitter. Criteria: GeneDx Variant Classification Process June 2021. Collection method: clinical testing. Allele origin: germline. Affected: yes.
Comment: Not observed at significant frequency in large population cohorts (gnomAD); In silico analysis supports that this missense variant has a deleterious effect on protein structure/function; Has not been previously published as pathogenic or benign to our knowledge

Natera, Inc.
Classification: Uncertain significance for Pontocerebellar hypoplasia, type 6. Last evaluated: 2025-02-10. Review status: no assertion criteria provided. Collection method: clinical testing. Allele origin: germline. Not counted in ClinVar's aggregate classification.

NM_020320.5(RARS2):c.1331A>C (p.Asp444Ala)

Gene: RARS2 (arginyl-tRNA synthetase 2, mitochondrial; minus strand). Cytogenetic location: 6q15.
Variant type: single nucleotide variant.
Coding change: c.1331A>C on transcript NM_020320.5 (MANE Select); coding-DNA position 1331, A replaced by C.
Protein change: p.Asp444Ala; replaces aspartic acid 444 with alanine.
Molecular consequence: missense variant. On other transcripts: non-coding transcript variant (23).
Genome position (GRCh38, 1-based): chr6:87,518,714, T>G on the plus strand (A>C on the coding strand, the complement: RARS2 is on the minus strand). VCF-style: chr6-87518714-T-G. GRCh37 (hg19) VCF-style: chr6-88228432-T-G.
Other names: c.806A>C, p.Asp269Ala (NM_001318785.2, NM_001350506.2, NM_001350507.2 and 4 more transcripts); c.1331A>C, p.Asp444Ala (NM_001350505.2); c.1331A>C (NM_020320.4); short protein forms D269A, D444A.
Identifiers: ClinVar variation 3372496 (VCV003372496.2).